The following is an entry in ClinVar:

GRCh37/hg19 16p11.2(chr16:29351826-30332071)x1

Genes: ALDOA (aldolase, fructose-bisphosphate A; plus strand), ASPHD1 (aspartate beta-hydroxylase domain containing 1; plus strand), BOLA2 (bolA family member 2; minus strand), BOLA2B (bolA family member 2B; minus strand), C16orf54 (chromosome 16 open reading frame 54; minus strand) and 28 more. Cytogenetic location: 16p11.2.
Variant type: copy number loss.
Change: copy number 1 (one copy instead of two) of chr16:29,351,826-30,332,071 (980.2 kb, GRCh37 coordinates, 1-based), cytogenetic band 16p11.2.
Identifiers: ClinVar variation 564317 (VCV000564317.3).

ClinVar aggregate classification (germline): Pathogenic (1 of 4 stars; one submission).

Submission:

Quest Diagnostics Nichols Institute San Juan Capistrano
Classification: Pathogenic. Last evaluated: 2021-10-18. Review status: criteria provided, single submitter. Criteria: ACMG/ClinGen CNV Guidelines, 2019. Collection method: clinical testing. Allele origin: unknown.
Comment: This copy number loss involves several genes including TBX6 (OMIM 602427) and is associated with the proximal (BP4-BP5) 16p11.2 microdeletion syndrome (OMIM 611913). Typical features include autism spectrum disorder and developmental delays including diminished language, cognitive function, and motor impairments. Seizures, macrocephaly, and early-onset obesity are additional common features. Inheritance from a normal or mildly affected parent has been reported, suggesting incomplete penetrance and variable expressivity. See GeneReviews for additional information and references.